The following is an entry in ClinVar:

NM_018417.6(ADCY10):c.697dup (p.Cys233fs)

Genes: DCAF6 (DDB1 and CUL4 associated factor 6; plus strand), ADCY10 (adenylate cyclase 10; minus strand). Cytogenetic location: 1q24.2.
Variant type: Duplication.
Coding change: c.697dup on transcript NM_018417.6 (MANE Select); coding-DNA position 697, one base duplicated (T; older notation c.697dupT).
Protein change: p.Cys233fs; shifts the reading frame from cysteine 233.
Molecular consequence: frameshift variant.
Genome position (GRCh38, 1-based): chr1:167,896,637, A duplicated on the plus strand (T on the coding strand, the reverse complement: ADCY10 is on the minus strand). VCF-style (leftmost placement, unchanged base first): chr1-167896636-C-CA. GRCh37 (hg19) VCF-style: chr1-167865874-C-CA.
Other names: c.238dup, p.Cys80fs (NM_001167749.3); c.421dup, p.Cys141fs (NM_001297772.2); short protein forms C233fs, C80fs, C141fs.
Identifiers: ClinVar variation 2756741 (VCV002756741.3), dbSNP rs2526043994, ClinGen allele CA2697554632.

ClinVar aggregate classification (germline): Pathogenic (1 of 4 stars; one submission).

Submission:

Labcorp Genetics (formerly Invitae), Labcorp
Classification: Pathogenic. Last evaluated: 2023-08-30. Review status: criteria provided, single submitter. Criteria: Invitae Variant Classification Sherloc (09022015). Collection method: clinical testing. Allele origin: germline.
Comment: For these reasons, this variant has been classified as Pathogenic. This sequence change creates a premature translational stop signal (p.Cys233Leufs*12) in the ADCY10 gene. It is expected to result in an absent or disrupted protein product. Loss-of-function variants in ADCY10 are known to be pathogenic (PMID: 31119281). This variant is not present in population databases (gnomAD no frequency). This variant has not been reported in the literature in individuals affected with ADCY10-related conditions.

Literature cited by the submitters: PubMed 31119281.